The following is an entry in ClinVar:

ClinVar aggregate classification (germline): Uncertain significance (1 of 4 stars; one submission).

Conditions:
Familial thoracic aortic aneurysm and aortic dissection (TAAD). Also called: Thoracic aortic aneurysms and dissections. Identifiers: Orphanet 91387, MedGen C4707243, MONDO:0019625.

Submission:

Ambry Genetics
Classification: Uncertain significance for Familial thoracic aortic aneurysm and aortic dissection. Last evaluated: 2025-04-09. Review status: criteria provided, single submitter. Criteria: Ambry Variant Classification Scheme 2023. Collection method: clinical testing. Allele origin: germline.
Comment: The p.P1181L variant (also known as c.3542C>T), located in coding exon 45 of the COL5A1 gene, results from a C to T substitution at nucleotide position 3542. The proline at codon 1181 is replaced by leucine, an amino acid with similar properties. This amino acid position is highly conserved in available vertebrate species. In addition, the in silico prediction for this alteration is inconclusive. Based on the available evidence, the clinical significance of this variant remains unclear.

NM_000093.5(COL5A1):c.3542C>T (p.Pro1181Leu)

Gene: COL5A1 (collagen type V alpha 1 chain; plus strand). Cytogenetic location: 9q34.3.
Variant type: single nucleotide variant.
Coding change: c.3542C>T on transcript NM_000093.5 (MANE Select); coding-DNA position 3542, C replaced by T.
Protein change: p.Pro1181Leu; replaces proline 1181 with leucine.
Molecular consequence: missense variant.
Genome position (GRCh38, 1-based): chr9:134,811,352, C>T. VCF-style: chr9-134811352-C-T. GRCh37 (hg19) VCF-style: chr9-137703198-C-T.
Other names: c.3542C>T, p.Pro1181Leu (NM_001278074.1); short protein forms P1181L.
Identifiers: ClinVar variation 4005433 (VCV004005433.1).